The following is an entry in ClinVar:

NM_000051.4(ATM):c.7927+5G>A

Genes: ATM (ATM serine/threonine kinase; plus strand), C11orf65 (chromosome 11 open reading frame 65; minus strand). Cytogenetic location: 11q22.3.
Variant type: single nucleotide variant.
Coding change: c.7927+5G>A on transcript NM_000051.4 (MANE Select); 5 bases into the intron after coding-DNA position 7927, G replaced by A.
Molecular consequence: intron variant.
Genome position (GRCh38, 1-based): chr11:108,332,905, G>A. VCF-style: chr11-108332905-G-A. GRCh37 (hg19) VCF-style: chr11-108203632-G-A.
Other names: c.7927+5G>A (NM_001351834.2); c.641-23834C>T (NM_001330368.2); c.*38+2315C>T (NM_001351110.2).
Identifiers: ClinVar variation 633056 (VCV000633056.10), dbSNP rs1299306446, ClinGen allele CA913189715.

ClinVar aggregate classification (germline): Conflicting classifications of pathogenicity. Review status: criteria provided, conflicting classifications (1 of 4 stars). 4 submissions from 4 submitters: Likely pathogenic (1); Uncertain significance (3). Last evaluated 2024-02-01.

Conditions:
Hereditary cancer-predisposing syndrome. Also called: Tumor predisposition; Hereditary neoplastic syndrome; Neoplastic Syndromes, Hereditary; Hereditary Cancer Syndrome. Identifiers: Orphanet 140162, MedGen C0027672, MeSH D009386, MONDO:0015356.
Familial cancer of breast. Also called: Hereditary breast cancer; BREAST CANCER, FAMILIAL; hereditary breast carcinoma. Identifiers: Orphanet 227535, MedGen C0346153, MONDO:0016419, OMIM 114480. Disease mechanism: loss of function.
Ataxia-telangiectasia syndrome (AT). Also called: Ataxia-telangiectasia, complementation group D; AT, COMPLEMENTATION GROUP C; ATAXIA-TELANGIECTASIA, COMPLEMENTATION GROUP A; ATAXIA-TELANGIECTASIA, FRESNO VARIANT; Ataxia-telangiectasia; LOUIS-BAR SYNDROME. Identifiers: Orphanet 100, MedGen C0004135, MONDO:0008840, OMIM 208900.

Allele frequency attached by ClinVar (database versions not stated): gnomAD exomes below 0.00001.
gnomAD v4.1: 2 of 1,610,412 alleles (0.00012%); highest among the groups gnomAD compares: Non-Finnish European, 0.00017%; no homozygotes.

Submissions (4):

Myriad Genetics, Inc.
Classification: Likely pathogenic for Familial cancer of breast. Last evaluated: 2024-02-01. Review status: criteria provided, single submitter. Criteria: Myriad Autosomal Dominant, Autosomal Recessive and X-Linked Classification Criteria (2023). Collection method: clinical testing. Allele origin: unknown.
Comment: This variant is considered likely pathogenic. This variant occurs within a consensus splice junction and is predicted to result in abnormal mRNA splicing of either an out-of-frame exon or an in-frame exon necessary for protein stability and/or normal function. mRNA analysis has demonstrated abnormal mRNA splicing occurs [Myriad internal data].

Ambry Genetics
Classification: Uncertain significance for Hereditary cancer-predisposing syndrome. Last evaluated: 2023-12-27. Review status: criteria provided, single submitter. Criteria: Ambry Variant Classification Scheme 2023. Collection method: clinical testing. Allele origin: germline.
Comment: The c.7927+5G>A intronic variant results from a G to A substitution 5 nucleotides after coding exon 52 in the ATM gene. This nucleotide position is highly conserved in available vertebrate species. In silico splice site analysis predicts that this alteration will weaken the native splice donor site. Since supporting evidence is limited at this time, the clinical significance of this alteration remains unclear.

Labcorp Genetics (formerly Invitae), Labcorp
Classification: Uncertain significance for Ataxia-telangiectasia syndrome. Last evaluated: 2021-03-02. Review status: criteria provided, single submitter. Criteria: Invitae Variant Classification Sherloc (09022015). Collection method: clinical testing. Allele origin: germline.
Comment: This sequence change falls in intron 53 of the ATM gene. It does not directly change the encoded amino acid sequence of the ATM protein, but it affects a nucleotide within the consensus splice site of the intron. This variant is not present in population databases (ExAC no frequency). This variant has not been reported in the literature in individuals with ATM-related disease. Nucleotide substitutions within the consensus splice site are a relatively common cause of aberrant splicing (PMID: 17576681, 9536098). Algorithms developed to predict the effect of sequence changes on RNA splicing suggest that this variant may disrupt the consensus splice site, but this prediction has not been confirmed by published transcriptional studies. In summary, the available evidence is currently insufficient to determine the role of this variant in disease. Therefore, it has been classified as a Variant of Uncertain Significance.

Women's Health and Genetics/Laboratory Corporation of America, LabCorp
Classification: Uncertain significance. Last evaluated: 2018-03-16. Review status: criteria provided, single submitter. Criteria: LabCorp Variant Classification Summary - May 2015. Collection method: clinical testing. Allele origin: germline.
Comment: Variant summary: ATM c.7927+5G>A alters a conserved nucleotide located close to a canonical splice site and therefore could affect mRNA splicing, leading to a significantly altered protein sequence. Several computational tools predict a significant impact on normal splicing: Two predict the variant abolishes a 5 splicing donor site. Two predict the variant weakens a 5' donor site. However, these predictions have yet to be confirmed by functional studies. The variant was absent in 119538 control chromosomes. The available data on variant occurrences in the general population are insufficient to allow any conclusion about variant significance. To our knowledge, no occurrence of c.7927+5G>A in individuals affected with Ataxia-Telangiectasia and no experimental evidence demonstrating its impact on protein function have been reported. No clinical diagnostic laboratories have submitted clinical-significance assessments for this variant to ClinVar after 2014, however, another alteration of the same nucleotide, c.7927+5G>C, has been cited in ClinVar as VUS. Based on the evidence outlined above, the variant was classified as uncertain significance.

Literature cited by the submitters: PubMed 17576681 (cited by Labcorp Genetics (formerly Invitae), Labcorp); PubMed 9536098 (cited by Labcorp Genetics (formerly Invitae), Labcorp).